The following is an entry in ClinVar:

ClinVar aggregate classification (germline): Uncertain significance. Review status: criteria provided, multiple submitters, no conflicts (2 of 4 stars). 4 submissions from 4 submitters: Uncertain significance (4). Last evaluated 2026-08-04.

Conditions:
TTLL5-related disorder. Also called: TTLL5-related condition.

Allele frequency attached by ClinVar (database versions not stated): gnomAD 0.00001; gnomAD exomes 0.00005 and 0.00020; TOPMed 0.00008; ExAC 0.00015.
gnomAD v4.1: 80 of 1,613,700 alleles (0.005%); highest among the groups gnomAD compares: Admixed American, 0.08%; no homozygotes.

Submissions (5):

PreventionGenetics, part of Exact Sciences
Classification: Uncertain significance for TTLL5-related condition. Last evaluated: 2026-08-04. Review status: criteria provided, single submitter. Criteria: ACMG Guidelines, 2015. Collection method: clinical testing. Allele origin: germline.
Comment: The TTLL5 c.562C>T variant is predicted to result in the amino acid substitution p.Arg188Trp. To our knowledge, this variant has not been reported in the literature. This variant is reported in 0.14% of alleles in individuals of Latino descent in gnomAD, which may be too frequent to be a primary cause of disease. Although we suspect that this variant may be benign, the clinical significance of this variant is currently classified as uncertain due to the absence of conclusive functional and genetic evidence.

Blueprint Genetics
Classification: Uncertain significance. Last evaluated: 2024-06-10. Review status: criteria provided, single submitter. Criteria: ACMG Guidelines, 2015. Collection method: clinical testing. Allele origin: germline.

Labcorp Genetics (formerly Invitae), Labcorp
Classification: Uncertain significance. Last evaluated: 2023-12-06. Review status: criteria provided, single submitter. Criteria: Invitae Variant Classification Sherloc (09022015). Collection method: clinical testing. Allele origin: germline.
Comment: This sequence change replaces arginine, which is basic and polar, with tryptophan, which is neutral and slightly polar, at codon 188 of the TTLL5 protein (p.Arg188Trp). This variant is present in population databases (rs773542134, gnomAD 0.1%). This missense change has been observed in individual(s) with inherited retinal dystrophy (Invitae). ClinVar contains an entry for this variant (Variation ID: 1019232). Advanced modeling of protein sequence and biophysical properties (such as structural, functional, and spatial information, amino acid conservation, physicochemical variation, residue mobility, and thermodynamic stability) has been performed at Invitae for this missense variant, however the output from this modeling did not meet the statistical confidence thresholds required to predict the impact of this variant on TTLL5 protein function. In summary, the available evidence is currently insufficient to determine the role of this variant in disease. Therefore, it has been classified as a Variant of Uncertain Significance.

Breakthrough Genomics
Classification: Uncertain significance. Review status: criteria provided, single submitter. Criteria: ACMG Guidelines, 2015. Collection method: not provided. Allele origin: germline. Inheritance: Autosomal recessive inheritance. Affected: yes.

Dr. Peter K. Rogan Lab, Western University
No classification provided (evidence only). Condition: Gastric cancer. Review status: no classification provided. Collection method: in vitro. Allele origin: not applicable. Functional consequence: retained intron. Not counted in ClinVar's aggregate classification.

NM_015072.5(TTLL5):c.562C>T (p.Arg188Trp)

Gene: TTLL5 (tubulin tyrosine ligase like 5; plus strand). Cytogenetic location: 14q24.3.
Variant type: single nucleotide variant.
Coding change: c.562C>T on transcript NM_015072.5 (MANE Select); coding-DNA position 562, C replaced by T.
Protein change: p.Arg188Trp; replaces arginine 188 with tryptophan.
Molecular consequence: missense variant.
Genome position (GRCh38, 1-based): chr14:75,699,247, C>T. VCF-style: chr14-75699247-C-T. GRCh37 (hg19) VCF-style: chr14-76165590-C-T.
Other names: c.562C>T (NM_015072.4); short protein forms R188W.
Identifiers: ClinVar variation 1019232 (VCV001019232.8), dbSNP rs773542134, ClinGen allele CA7278971.